The following is an entry in ClinVar:

ClinVar aggregate classification (germline): Uncertain significance (0 of 4 stars; one submission).

Conditions:
Neurodevelopmental disorder with dysmorphic facies and distal limb anomalies. Identifiers: Orphanet 686482, MedGen C4540327, MONDO:0060596, OMIM 617755.

gnomAD v4.1: 1 of 1,614,200 alleles (0.000062%); highest among the groups gnomAD compares: South Asian, 0.0011%; no homozygotes.

Submission:

Hong-Tao Li Lab, Institute of Brain Science and Brain-inspired Research, Shandong First Medical University & Shandong Academy of Medical Sciences China
Classification: Uncertain significance for Neurodevelopmental disorder with dysmorphic facies and distal limb anomalies. Review status: no assertion criteria provided. Collection method: research. Allele origin: germline. Inheritance: Autosomal dominant inheritance. Affected: yes. Observed: 1 variant allele, 1 heterozygote.
Comment: Observed in affected individuals from a Pakistani neurodevelopmental-disorder research cohort of 263 individuals. Classification assigned using the ACMG/AMP framework.

NM_182641.4(BPTF):c.6518G>A (p.Gly2173Asp)

Gene: BPTF (bromodomain PHD finger transcription factor; plus strand). Cytogenetic location: 17q24.2.
Variant type: single nucleotide variant.
Coding change: c.6518G>A on transcript NM_182641.4 (MANE Select); coding-DNA position 6518, G replaced by A.
Protein change: p.Gly2173Asp; replaces glycine 2173 with aspartic acid.
Molecular consequence: missense variant.
Genome position (GRCh38, 1-based): chr17:67,944,190, G>A. VCF-style: chr17-67944190-G-A. GRCh37 (hg19) VCF-style: chr17-65940306-G-A.
Other names: c.6707G>A, p.Gly2236Asp (NM_001439139.1, NM_001439143.1, NM_001439144.1); c.6896G>A, p.Gly2299Asp (NM_001439140.1, NM_001439142.1, NM_004459.7); c.6869G>A, p.Gly2290Asp (NM_001439141.1); short protein forms G2173D, G2236D, G2290D, G2299D.
Identifiers: ClinVar variation 4884807 (VCV004884807.1).
Genomic context (GRCh38, chr17:67,944,190, plus strand): 5'-ATGTTGTGTTTTTTCCACAGGGTGGCAATCAAGGTTTGACAGTAGTAATTCAAGGACAAG[G>A]TCAAACTACTGGACAGTTGCAGTTGATACCTCAAGGGGTGACTGTACTCCCAGGCCCAGG-3'
Protein context (NP_872579.2, residues 2163-2183): QGLTVVIQGQ[Gly2173Asp]QTTGQLQLIP